The following is an entry in ClinVar:

ClinVar aggregate classification (germline): Uncertain significance (1 of 4 stars; one submission).

Conditions:
Neuropathy, hereditary sensory, type 2C. Also called: KIF1A-Related HSAN2 (HSAN2C); Hereditary sensory and autonomic neuropathy type IIC. Identifiers: Orphanet 970, MedGen C3280168, MONDO:0013634, OMIM 614213.
Hereditary spastic paraplegia 30. Identifiers: Orphanet 101010, MedGen C5235139, MONDO:0012476.
Intellectual disability, autosomal dominant 9 (NESCAVS). Also called: NESCAV SYNDROME; KIF1A-Related Neurodevelopmental Disorder. Identifiers: Orphanet 662367, MedGen C5393830, MONDO:0013656, OMIM 614255.

Allele frequency attached by ClinVar (database versions not stated): gnomAD exomes below 0.00001.

Submission:

Labcorp Genetics (formerly Invitae), Labcorp
Classification: Uncertain significance for Hereditary spastic paraplegia 30; Neuropathy, hereditary sensory, type 2C; Intellectual disability, autosomal dominant 9. Last evaluated: 2025-02-09. Review status: criteria provided, single submitter. Criteria: Invitae Variant Classification Sherloc (09022015). Collection method: clinical testing. Allele origin: germline.
Comment: This sequence change replaces aspartic acid, which is acidic and polar, with asparagine, which is neutral and polar, at codon 500 of the KIF1A protein (p.Asp500Asn). This variant is not present in population databases (gnomAD no frequency). This variant has not been reported in the literature in individuals affected with KIF1A-related conditions. ClinVar contains an entry for this variant (Variation ID: 2950848). Invitae Evidence Modeling of protein sequence and biophysical properties (such as structural, functional, and spatial information, amino acid conservation, physicochemical variation, residue mobility, and thermodynamic stability) indicates that this missense variant is expected to disrupt KIF1A protein function with a positive predictive value of 95%. In summary, the available evidence is currently insufficient to determine the role of this variant in disease. Therefore, it has been classified as a Variant of Uncertain Significance.

NM_001244008.2(KIF1A):c.1525G>A (p.Asp509Asn)

Gene: KIF1A (kinesin family member 1A; minus strand). Cytogenetic location: 2q37.3.
Variant type: single nucleotide variant.
Coding change: c.1525G>A on transcript NM_001244008.2 (MANE Select); coding-DNA position 1525, G replaced by A.
Protein change: p.Asp509Asn; replaces aspartic acid 509 with asparagine.
Molecular consequence: missense variant.
Genome position (GRCh38, 1-based): chr2:240,767,318, C>T on the plus strand (G>A on the coding strand, the complement: KIF1A is on the minus strand). VCF-style: chr2-240767318-C-T. GRCh37 (hg19) VCF-style: chr2-241706735-C-T.
Other names: c.1525G>A, p.Asp509Asn (NM_001320705.2, NM_001330289.2, NM_001379638.1); c.1600G>A, p.Asp534Asn (NM_001330290.2, NM_001379631.1, NM_001379634.1 and 2 more transcripts); c.1498G>A, p.Asp500Asn (NM_001379632.1, NM_001379633.1, NM_001379636.1 and 11 more transcripts); c.1573G>A, p.Asp525Asn (NM_001379637.1, NM_001379648.1); short protein forms D509N, D534N, D500N, D525N.
Identifiers: ClinVar variation 2950848 (VCV002950848.3), dbSNP rs2537774120, ClinGen allele CA351328581.